The following is an entry in ClinVar:

NM_001353345.2(SETD1B):c.3322G>A (p.Asp1108Asn)

Gene: SETD1B (SET domain containing 1B, histone lysine methyltransferase; plus strand). Cytogenetic location: 12q24.31.
Variant type: single nucleotide variant.
Coding change: c.3322G>A on transcript NM_001353345.2 (MANE Select); coding-DNA position 3322, G replaced by A.
Protein change: p.Asp1108Asn; replaces aspartic acid 1108 with asparagine.
Molecular consequence: missense variant.
Genome position (GRCh38, 1-based): chr12:121,817,808, G>A. VCF-style: chr12-121817808-G-A. GRCh37 (hg19) VCF-style: chr12-122255714-G-A.
Other names: short protein forms D1108N.
Identifiers: ClinVar variation 2671786 (VCV002671786.1), dbSNP rs1043271305, ClinGen allele CA244644587.

ClinVar aggregate classification (germline): Uncertain significance (1 of 4 stars; one submission).

Conditions:
Intellectual developmental disorder with seizures and language delay (IDDSELD). Identifiers: MedGen C5436574, MONDO:0033559, OMIM 619000.

Allele frequency attached by ClinVar (database versions not stated): gnomAD exomes 0.00001; TOPMed 0.00001.
gnomAD v4.1: 15 of 1,550,114 alleles (0.00097%); highest among the groups gnomAD compares: East Asian, 0.012%; no homozygotes.

Submission:

Neuberg Centre For Genomic Medicine, NCGM
Classification: Uncertain significance for Intellectual developmental disorder with seizures and language delay. Last evaluated: 2023-03-01. Review status: criteria provided, single submitter. Criteria: ACMG Guidelines, 2015. Collection method: clinical testing. Allele origin: germline. Inheritance: Autosomal dominant inheritance. Affected: yes.
Comment: The missense c.3322G>A (p.Asp1108Asn) variant in SETD1B gene has not been reported previously as a pathogenic variant nor as a benign variant, to our knowledge. The p.Asp1108Asn variant has allele frequency 0% in gnomAD Exomes and is novel (not in any individuals) in 1000 Genomes. This variant has not been reported to the ClinVar database. The amino acid change p.Asp1108Asn in SETD1B is predicted as conserved by GERP++ and PhyloP across 100 vertebrates. The amino acid Asp at position 1108 is changed to a Asn changing protein sequence and it might alter its composition and physico-chemical properties. For these reasons, this variant has been classified as Variant of Uncertain Significance (VUS).